The following is an entry in ClinVar:

ClinVar aggregate classification (germline): Pathogenic/Likely pathogenic. Review status: criteria provided, multiple submitters, no conflicts (2 of 4 stars). 2 submissions from 2 submitters: Pathogenic (1); Likely pathogenic (1). Last evaluated 2025-09-10.

Conditions:
IMPG1-related disorder. Also called: IMPG1-related condition.

Allele frequency attached by ClinVar (database versions not stated): gnomAD exomes below 0.00001; TOPMed 0.00001.
gnomAD v4.1: 1 of 1,614,088 alleles (0.000062%); highest among the groups gnomAD compares: Non-Finnish European, 0.000085%; no homozygotes.

Submissions (2):

Labcorp Genetics (formerly Invitae), Labcorp
Classification: Pathogenic. Last evaluated: 2025-09-10. Review status: criteria provided, single submitter. Criteria: Invitae Variant Classification Sherloc (09022015). Collection method: clinical testing. Allele origin: germline.
Comment: This sequence change creates a premature translational stop signal (p.Gln131*) in the IMPG1 gene. It is expected to result in an absent or disrupted protein product. Loss-of-function variants in IMPG1 are known to be pathogenic (PMID: 23993198). This variant is present in population databases (no rsID available, gnomAD 0.0009%). This variant has not been reported in the literature in individuals affected with IMPG1-related conditions. ClinVar contains an entry for this variant (Variation ID: 1063147). For these reasons, this variant has been classified as Pathogenic.

Blueprint Genetics
Classification: Likely pathogenic for IMPG1-related disorders. Last evaluated: 2024-06-10. Review status: criteria provided, single submitter. Criteria: ACMG Guidelines, 2015. Collection method: clinical testing. Allele origin: germline. Affected: yes. Observed: 2 variant alleles.

Literature cited by the submitters: PubMed 23993198 (cited by Labcorp Genetics (formerly Invitae), Labcorp).

NM_001563.4(IMPG1):c.391C>T (p.Gln131Ter)

Gene: IMPG1 (interphotoreceptor matrix proteoglycan 1; minus strand). Cytogenetic location: 6q14.1.
Variant type: single nucleotide variant.
Coding change: c.391C>T on transcript NM_001563.4 (MANE Select); coding-DNA position 391, C replaced by T.
Protein change: p.Gln131Ter; replaces glutamine 131 with a stop codon.
Molecular consequence: nonsense.
Genome position (GRCh38, 1-based): chr6:76,034,698, G>A on the plus strand (C>T on the coding strand, the complement: IMPG1 is on the minus strand). VCF-style: chr6-76034698-G-A. GRCh37 (hg19) VCF-style: chr6-76744415-G-A.
Other names: c.157C>T, p.Gln53Ter (NM_001282368.2); short protein forms Q131*, Q53*.
Identifiers: ClinVar variation 1063147 (VCV001063147.8), dbSNP rs1233848330, ClinGen allele CA364780464.